The following is an entry in ClinVar:

NM_001111125.3(IQSEC2):c.3973dup (p.His1325fs)

Gene: IQSEC2 (IQ motif and Sec7 domain ArfGEF 2; minus strand). Cytogenetic location: Xp11.22.
Variant type: Duplication.
Coding change: c.3973dup on transcript NM_001111125.3 (MANE Select); coding-DNA position 3973, one base duplicated (C; older notation c.3973dupC).
Protein change: p.His1325fs; shifts the reading frame from histidine 1325.
Molecular consequence: frameshift variant. On other transcripts: 3 prime UTR variant (2).
Genome position (GRCh38, 1-based): chrX:53,234,713, G duplicated on the plus strand (C on the coding strand, the reverse complement: IQSEC2 is on the minus strand); the first of 3 consecutive G bases (chrX:53,234,713-53,234,715); duplicating any one gives the same sequence. VCF-style (leftmost placement, unchanged base first): chrX-53234712-T-TG. GRCh37 (hg19) VCF-style: chrX-53263894-T-TG.
Other names: c.*458dup (NM_001410736.1, NM_015075.2); short protein forms H1325fs.
Identifiers: ClinVar variation 2572257 (VCV002572257.1), dbSNP rs2519670968, ClinGen allele CA2580617056.

ClinVar aggregate classification (germline): Pathogenic (1 of 4 stars; one submission).

Conditions:
Intellectual developmental disorder, X-linked 1. Also called: Atkin Flaitz Patil Smith syndrome; MENTAL RETARDATION, X-LINKED 18; MENTAL RETARDATION, X-LINKED 78; Intellectual disability, X-linked 1. Identifiers: Orphanet 777, MedGen C2931498, MONDO:0010656, OMIM 309530.

Submission:

Greenwood Genetic Center Diagnostic Laboratories, Greenwood Genetic Center
Classification: Pathogenic for Intellectual developmental disorder, X-linked 1. Last evaluated: 2023-04-06. Review status: criteria provided, single submitter. Criteria: ACMG Guidelines, 2015. Collection method: clinical testing. Allele origin: germline. Affected: yes.
Comment: PVS1, PS2, PM2